The following is an entry in ClinVar:

ClinVar aggregate classification (germline): Uncertain significance. Review status: criteria provided, multiple submitters, no conflicts (2 of 4 stars). 2 submissions from 2 submitters: Uncertain significance (2). Last evaluated 2024-11-27.

Conditions:
Noonan syndrome 10 (NS10). Identifiers: Orphanet 648, MedGen C4225280, MONDO:0014693, OMIM 616564.
Hereditary cancer-predisposing syndrome. Also called: Neoplastic Syndromes, Hereditary; Tumor predisposition; Hereditary Cancer Syndrome; Hereditary neoplastic syndrome. Identifiers: Orphanet 140162, MedGen C0027672, MeSH D009386, MONDO:0015356.
Cardiovascular phenotype. Identifiers: MedGen CN230736.

Allele frequency attached by ClinVar (database versions not stated): gnomAD exomes below 0.00001.

Submissions (2):

Ambry Genetics
Classification: Uncertain significance for Cardiovascular phenotype; Hereditary cancer-predisposing syndrome. Last evaluated: 2024-11-27. Review status: criteria provided, single submitter. Criteria: Ambry Variant Classification Scheme 2023. Collection method: clinical testing. Allele origin: germline.
Comment: The p.A108T variant (also known as c.322G>A), located in coding exon 4 of the LZTR1 gene, results from a G to A substitution at nucleotide position 322. The alanine at codon 108 is replaced by threonine, an amino acid with similar properties. This amino acid position is conserved. In addition, the in silico prediction for this alteration is inconclusive. Based on the available evidence, the clinical significance of this variant remains unclear.

Baylor Genetics
Classification: Uncertain significance for Noonan syndrome 10. Last evaluated: 2019-04-03. Review status: criteria provided, single submitter. Criteria: ACMG Guidelines, 2015. Collection method: clinical testing. Allele origin: maternal. Affected: yes.
Comment: This variant was determined to be of uncertain significance according to ACMG Guidelines, 2015 [PMID:25741868].

NM_006767.4(LZTR1):c.322G>A (p.Ala108Thr)

Gene: LZTR1 (leucine zipper like post translational regulator 1; plus strand). Cytogenetic location: 22q11.21.
Variant type: single nucleotide variant.
Coding change: c.322G>A on transcript NM_006767.4 (MANE Select); coding-DNA position 322, G replaced by A.
Protein change: p.Ala108Thr; replaces alanine 108 with threonine.
Molecular consequence: missense variant.
Genome position (GRCh38, 1-based): chr22:20,987,505, G>A. VCF-style: chr22-20987505-G-A. GRCh37 (hg19) VCF-style: chr22-21341794-G-A.
Other names: short protein forms A108T.
Identifiers: ClinVar variation 1029084 (VCV001029084.2), dbSNP rs1358951592, ClinGen allele CA410779223.